The following is an entry in ClinVar:

ClinVar aggregate classification (germline): Uncertain significance. Review status: criteria provided, multiple submitters, no conflicts (2 of 4 stars). 2 submissions from 2 submitters: Uncertain significance (2). Last evaluated 2022-01-12.

Conditions:
Inborn genetic diseases. Identifiers: MedGen C0950123, MeSH D030342.
Aortic valve disease 2 (AOVD2). Identifiers: MedGen C3542024, MONDO:0013902, OMIM 614823.

Allele frequency attached by ClinVar (database versions not stated): gnomAD 0.00002; TOPMed 0.00002.

Submissions (2):

Labcorp Genetics (formerly Invitae), Labcorp
Classification: Uncertain significance for Aortic valve disease 2. Last evaluated: 2022-01-12. Review status: criteria provided, single submitter. Criteria: Invitae Variant Classification Sherloc (09022015). Collection method: clinical testing. Allele origin: germline.
Comment: This variant is present in population databases (no rsID available, gnomAD 0.005%). In summary, the available evidence is currently insufficient to determine the role of this variant in disease. Therefore, it has been classified as a Variant of Uncertain Significance. Algorithms developed to predict the effect of missense changes on protein structure and function (SIFT, PolyPhen-2, Align-GVGD) all suggest that this variant is likely to be tolerated. ClinVar contains an entry for this variant (Variation ID: 998694). This variant has not been reported in the literature in individuals affected with SMAD6-related conditions. This sequence change replaces proline, which is neutral and non-polar, with serine, which is neutral and polar, at codon 450 of the SMAD6 protein (p.Pro450Ser).

Ambry Genetics
Classification: Uncertain significance for Inborn genetic diseases. Last evaluated: 2021-11-19. Review status: criteria provided, single submitter. Criteria: Ambry Variant Classification Scheme 2023. Collection method: clinical testing. Allele origin: germline.
Comment: The p.P450S variant (also known as c.1348C>T), located in coding exon 4 of the SMAD6 gene, results from a C to T substitution at nucleotide position 1348. The proline at codon 450 is replaced by serine, an amino acid with similar properties. This amino acid position is conserved. In addition, this alteration is predicted to be tolerated by in silico analysis. Since supporting evidence is limited at this time, the clinical significance of this alteration remains unclear.

NM_005585.5(SMAD6):c.1348C>T (p.Pro450Ser)

Gene: SMAD6 (SMAD family member 6; plus strand). Cytogenetic location: 15q22.31.
Variant type: single nucleotide variant.
Coding change: c.1348C>T on transcript NM_005585.5 (MANE Select); coding-DNA position 1348, C replaced by T.
Protein change: p.Pro450Ser; replaces proline 450 with serine.
Molecular consequence: missense variant. On other transcripts: non-coding transcript variant (1).
Genome position (GRCh38, 1-based): chr15:66,781,392, C>T. VCF-style: chr15-66781392-C-T. GRCh37 (hg19) VCF-style: chr15-67073730-C-T.
Other names: short protein forms P450S.
Identifiers: ClinVar variation 998694 (VCV000998694.10), dbSNP rs369864879, ClinGen allele CA272023796.